The following is an entry in ClinVar:

ClinVar aggregate classification (germline): Likely pathogenic (1 of 4 stars; one submission).

Conditions:
Autosomal recessive limb-girdle muscular dystrophy type 2J (LGMDR10). Also called: Limb-girdle muscular dystrophy, type 2J; MUSCULAR DYSTROPHY, LIMB-GIRDLE, AUTOSOMAL RECESSIVE 10. Identifiers: Orphanet 140922, MedGen C1837342, MONDO:0012127, OMIM 608807.
Dilated cardiomyopathy 1G (CMD1G). Identifiers: Orphanet 154, MedGen C1858763, MONDO:0011400, OMIM 604145.

Submission:

Labcorp Genetics (formerly Invitae), Labcorp
Classification: Likely pathogenic for Dilated cardiomyopathy 1G; Autosomal recessive limb-girdle muscular dystrophy type 2J. Last evaluated: 2024-10-18. Review status: criteria provided, single submitter. Criteria: Invitae Variant Classification Sherloc (09022015). Collection method: clinical testing. Allele origin: germline.
Comment: This sequence change creates a premature translational stop signal (p.Ile2586Asnfs*3) in the TTN gene. While this is not anticipated to result in nonsense mediated decay, it is expected to create a truncated TTN protein. This variant is not present in population databases (gnomAD no frequency). This variant has not been reported in the literature in individuals affected with TTN-related conditions. ClinVar contains an entry for this variant (Variation ID: 467505). This variant is located in the I band of TTN (PMID: 25589632). Truncating variants in this region have been reported in individuals affected with autosomal recessive centronuclear myopathy (PMID: 23975875, internal data). Truncating variants in this region have also been identified in individuals affected with autosomal dominant dilated cardiomyopathy and/or cardio-related conditions (PMID: 27869827, 32964742, internal data). In summary, the currently available evidence indicates that the variant is pathogenic, but additional data are needed to prove that conclusively. Therefore, this variant has been classified as Likely Pathogenic.

Literature cited by the submitters: PubMed 25589632; PubMed 23975875; PubMed 27869827; PubMed 32964742.

NM_001267550.2(TTN):c.7756dup (p.Ile2586fs)

Gene: TTN (titin; minus strand). Cytogenetic location: 2q31.2.
Variant type: Duplication.
Coding change: c.7756dup on transcript NM_001267550.2 (MANE Select); coding-DNA position 7756, one base duplicated (A; older notation c.7756dupA).
Protein change: p.Ile2586fs; shifts the reading frame from isoleucine 2586.
Molecular consequence: frameshift variant.
Genome position (GRCh38, 1-based): chr2:178,773,208, T duplicated on the plus strand (A on the coding strand, the reverse complement: TTN is on the minus strand); the first of 5 consecutive T bases (chr2:178,773,208-178,773,212); duplicating any one gives the same sequence. VCF-style (leftmost placement, unchanged base first): chr2-178773207-A-AT. GRCh37 (hg19) VCF-style: chr2-179637934-A-AT.
Other names: c.7756dup, p.Ile2586fs (NM_001256850.1, NM_133379.5, NM_133378.4); c.7756dupA (NM_001267550.2); c.7618dup, p.Ile2540fs (NM_133432.3, NM_133437.4, NM_003319.4); short protein forms I2540fs, I2586fs.
Identifiers: ClinVar variation 467505 (VCV000467505.9), dbSNP rs1553999983, ClinGen allele CA658657186.